The following is an entry in ClinVar:

ClinVar aggregate classification (germline): Uncertain significance (1 of 4 stars; one submission).

Submission:

Labcorp Genetics (formerly Invitae), Labcorp
Classification: Uncertain significance. Last evaluated: 2023-11-29. Review status: criteria provided, single submitter. Criteria: Invitae Variant Classification Sherloc (09022015). Collection method: clinical testing. Allele origin: germline.
Comment: This sequence change replaces arginine, which is basic and polar, with glycine, which is neutral and non-polar, at codon 128 of the KMT2A protein (p.Arg128Gly). This variant is not present in population databases (gnomAD no frequency). This variant has not been reported in the literature in individuals affected with KMT2A-related conditions. Advanced modeling of protein sequence and biophysical properties (such as structural, functional, and spatial information, amino acid conservation, physicochemical variation, residue mobility, and thermodynamic stability) has been performed at Invitae for this missense variant, however the output from this modeling did not meet the statistical confidence thresholds required to predict the impact of this variant on KMT2A protein function. In summary, the available evidence is currently insufficient to determine the role of this variant in disease. Therefore, it has been classified as a Variant of Uncertain Significance.

NM_001197104.2(KMT2A):c.382C>G (p.Arg128Gly)

Gene: KMT2A (lysine methyltransferase 2A; plus strand). Cytogenetic location: 11q23.3.
Variant type: single nucleotide variant.
Coding change: c.382C>G on transcript NM_001197104.2 (MANE Select); coding-DNA position 382, C replaced by G.
Protein change: p.Arg128Gly; replaces arginine 128 with glycine.
Molecular consequence: missense variant.
Genome position (GRCh38, 1-based): chr11:118,436,894, C>G. VCF-style: chr11-118436894-C-G. GRCh37 (hg19) VCF-style: chr11-118307609-C-G.
Other names: c.382C>G, p.Arg128Gly (NM_001412597.1, NM_005933.4); short protein forms R128G.
Identifiers: ClinVar variation 2699769 (VCV002699769.3), dbSNP rs1555138799, ClinGen allele CA382798571.